The following is an entry in ClinVar:

ClinVar aggregate classification (germline): Conflicting classifications of pathogenicity. Review status: criteria provided, conflicting classifications (1 of 4 stars). 2 submissions from 2 submitters: Uncertain significance (1); Likely benign (1). Last evaluated 2022-10-29.

Conditions:
Inborn genetic diseases. Identifiers: MedGen C0950123, MeSH D030342.
Landau-Kleffner syndrome (FESD). Also called: EPILEPSY, FOCAL, WITH SPEECH DISORDER AND WITH OR WITHOUT MENTAL RETARDATION; APHASIA, ACQUIRED, WITH EPILEPSY. Identifiers: Orphanet 1945, Orphanet 725, Orphanet 98818, MedGen C0282512, MONDO:0009509, OMIM 245570.

Allele frequency attached by ClinVar (database versions not stated): TOPMed 0.00002.

Submissions (2):

Labcorp Genetics (formerly Invitae), Labcorp
Classification: Likely benign for Landau-Kleffner syndrome. Last evaluated: 2022-10-29. Review status: criteria provided, single submitter. Criteria: Invitae Variant Classification Sherloc (09022015). Collection method: clinical testing. Allele origin: germline.

Ambry Genetics
Classification: Uncertain significance for Inborn genetic diseases. Last evaluated: 2021-10-29. Review status: criteria provided, single submitter. Criteria: Ambry Variant Classification Scheme 2023. Collection method: clinical testing. Allele origin: germline.
Comment: The c.1008-6T>G intronic alteration consists of a T to G substitution 6 nucleotides before exon 5 (coding exon 3) of the GRIN2A gene. Based on insufficient or conflicting evidence, the clinical significance of this alteration remains unclear.

NM_001134407.3(GRIN2A):c.1008-6T>G

Gene: GRIN2A (glutamate ionotropic receptor NMDA type subunit 2A; minus strand). Cytogenetic location: 16p13.2.
Variant type: single nucleotide variant.
Coding change: c.1008-6T>G on transcript NM_001134407.3 (MANE Select); 6 bases into the intron before coding-DNA position 1008, T replaced by G.
Molecular consequence: intron variant.
Genome position (GRCh38, 1-based): chr16:9,891,106, A>C on the plus strand (T>G on the coding strand, the complement: GRIN2A is on the minus strand). VCF-style: chr16-9891106-A-C. GRCh37 (hg19) VCF-style: chr16-9984963-A-C.
Other names: c.1008-6T>G (NM_001134408.2, NM_000833.5).
Identifiers: ClinVar variation 2251833 (VCV002251833.5), dbSNP rs1199762302, ClinGen allele CA725926061.